The following is an entry in ClinVar:

NM_000383.4(AIRE):c.841G>A (p.Ala281Thr)

Gene: AIRE (autoimmune regulator; plus strand). Cytogenetic location: 21q22.3.
Variant type: single nucleotide variant.
Coding change: c.841G>A on transcript NM_000383.4 (MANE Select); coding-DNA position 841, G replaced by A.
Protein change: p.Ala281Thr; replaces alanine 281 with threonine.
Molecular consequence: missense variant.
Genome position (GRCh38, 1-based): chr21:44,290,030, G>A. VCF-style: chr21-44290030-G-A. GRCh37 (hg19) VCF-style: chr21-45709913-G-A.
Other names: short protein forms A281T.
Identifiers: ClinVar variation 198418 (VCV000198418.8), dbSNP rs778148534, ClinGen allele CA247061.

ClinVar aggregate classification (germline): Uncertain significance. Review status: criteria provided, multiple submitters, no conflicts (2 of 4 stars). 2 submissions from 2 submitters: Uncertain significance (2). Last evaluated 2024-04-10.

Conditions:
Polyglandular autoimmune syndrome, type 1 (APS1). Also called: APS I; Whitaker syndrome; Autoimmune polyendocrinopathy syndrome, type I; Autoimmune polyendocrine syndrome type 1; Autoimmune polyendocrinopathy syndrome , type I, with or without reversible metaphyseal dysplasia; AUTOIMMUNE POLYENDOCRINE SYNDROME, TYPE I, WITH OR WITHOUT REVERSIBLE METAPHYSEAL DYSPLASIA. Identifiers: Orphanet 3453, MedGen C0085859, MONDO:0009411, OMIM 240300.

Allele frequency attached by ClinVar (database versions not stated): gnomAD 0.00001; TOPMed 0.00002.

Submissions (2):

Labcorp Genetics (formerly Invitae), Labcorp
Classification: Uncertain significance for Polyglandular autoimmune syndrome, type 1. Last evaluated: 2024-04-10. Review status: criteria provided, single submitter. Criteria: Invitae Variant Classification Sherloc (09022015). Collection method: clinical testing. Allele origin: germline.
Comment: This sequence change replaces alanine, which is neutral and non-polar, with threonine, which is neutral and polar, at codon 281 of the AIRE protein (p.Ala281Thr). This variant is present in population databases (rs778148534, gnomAD 0.0009%). This variant has not been reported in the literature in individuals affected with AIRE-related conditions. ClinVar contains an entry for this variant (Variation ID: 198418). Advanced modeling of protein sequence and biophysical properties (such as structural, functional, and spatial information, amino acid conservation, physicochemical variation, residue mobility, and thermodynamic stability) performed at Invitae indicates that this missense variant is not expected to disrupt AIRE protein function with a negative predictive value of 95%. In summary, the available evidence is currently insufficient to determine the role of this variant in disease. Therefore, it has been classified as a Variant of Uncertain Significance.

Eurofins Ntd Llc (ga)
Classification: Uncertain significance. Last evaluated: 2014-12-23. Review status: criteria provided, single submitter. Criteria: EGL Classification Definitions 2015. Collection method: clinical testing. Allele origin: germline.